The following is an entry in ClinVar:

ClinVar aggregate classification (germline): Uncertain significance. Review status: criteria provided, multiple submitters, no conflicts (2 of 4 stars). 2 submissions from 2 submitters: Uncertain significance (2). Last evaluated 2026-01-07.

Conditions:
Inborn genetic diseases. Identifiers: MedGen C0950123, MeSH D030342.
Dyskeratosis congenita, autosomal dominant 6 (DKCA6). Identifiers: Orphanet 3322, MedGen C4225284, MONDO:0014690, OMIM 616553.

Allele frequency attached by ClinVar (database versions not stated): gnomAD exomes below 0.00001; ExAC 0.00001.
gnomAD v4.1: 3 of 1,613,484 alleles (0.00019%); highest among the groups gnomAD compares: Non-Finnish European, 0.00025%; no homozygotes.

Submissions (2):

Labcorp Genetics (formerly Invitae), Labcorp
Classification: Uncertain significance for Dyskeratosis congenita, autosomal dominant 6. Last evaluated: 2026-01-07. Review status: criteria provided, single submitter. Criteria: Invitae Variant Classification Sherloc (09022015). Collection method: clinical testing. Allele origin: germline.
Comment: This sequence change replaces arginine, which is basic and polar, with leucine, which is neutral and non-polar, at codon 208 of the ACD protein (p.Arg208Leu). This variant is present in population databases (rs778255734, gnomAD 0.0009%). This variant has not been reported in the literature in individuals affected with ACD-related conditions. ClinVar contains an entry for this variant (Variation ID: 1752380). Invitae Evidence Modeling of protein sequence and biophysical properties (such as structural, functional, and spatial information, amino acid conservation, physicochemical variation, residue mobility, and thermodynamic stability) indicates that this missense variant is expected to disrupt ACD protein function with a positive predictive value of 80%. In summary, the available evidence is currently insufficient to determine the role of this variant in disease. Therefore, it has been classified as a Variant of Uncertain Significance.

Ambry Genetics
Classification: Uncertain significance for Inborn genetic diseases. Last evaluated: 2022-10-17. Review status: criteria provided, single submitter. Criteria: Ambry Variant Classification Scheme 2023. Collection method: clinical testing. Allele origin: germline.
Comment: The p.R208L variant (also known as c.623G>T), located in coding exon 4 of the ACD gene, results from a G to T substitution at nucleotide position 623. The arginine at codon 208 is replaced by leucine, an amino acid with dissimilar properties. This amino acid position is conserved. In addition, the in silico prediction for this alteration is inconclusive. Since supporting evidence is limited at this time, the clinical significance of this alteration remains unclear.

NM_001082486.2(ACD):c.365G>T (p.Arg122Leu)

Gene: ACD (ACD shelterin complex subunit and telomerase recruitment factor; minus strand). Cytogenetic location: 16q22.1.
Variant type: single nucleotide variant.
Coding change: c.365G>T on transcript NM_001082486.2 (MANE Select); coding-DNA position 365, G replaced by T.
Protein change: p.Arg122Leu; replaces arginine 122 with leucine.
Molecular consequence: missense variant.
Genome position (GRCh38, 1-based): chr16:67,659,585, C>A on the plus strand (G>T on the coding strand, the complement: ACD is on the minus strand). VCF-style: chr16-67659585-C-A. GRCh37 (hg19) VCF-style: chr16-67693488-C-A.
Other names: c.365G>T, p.Arg122Leu (NM_001410884.1); c.356G>T, p.Arg119Leu (NM_022914.3); short protein forms R119L, R122L.
Identifiers: ClinVar variation 1752380 (VCV001752380.3), dbSNP rs778255734, ClinGen allele CA8114725.